The following is an entry in ClinVar:

NM_001365276.2(TNXB):c.9073G>C (p.Glu3025Gln)

Gene: TNXB (tenascin XB; minus strand). Cytogenetic location: 6p21.33.
Variant type: single nucleotide variant.
Coding change: c.9073G>C on transcript NM_001365276.2 (MANE Select); coding-DNA position 9073, G replaced by C.
Protein change: p.Glu3025Gln; replaces glutamic acid 3025 with glutamine.
Molecular consequence: missense variant.
Genome position (GRCh38, 1-based): chr6:32,052,712, C>G on the plus strand (G>C on the coding strand, the complement: TNXB is on the minus strand). VCF-style: chr6-32052712-C-G. GRCh37 (hg19) VCF-style: chr6-32020489-C-G.
Other names: c.9814G>C, p.Glu3272Gln (NM_001428335.1); c.9067G>C, p.Glu3023Gln (NM_019105.8); short protein forms E3272Q, E3023Q, E3025Q.
Identifiers: ClinVar variation 4188675 (VCV004188675.1).

ClinVar aggregate classification (germline): Uncertain significance (1 of 4 stars; one submission).

Conditions:
Cardiovascular phenotype. Identifiers: MedGen CN230736.

Submission:

Ambry Genetics
Classification: Uncertain significance for Cardiovascular phenotype. Last evaluated: 2025-06-22. Review status: criteria provided, single submitter. Criteria: Ambry Variant Classification Scheme 2023. Collection method: clinical testing. Allele origin: germline.
Comment: The p.E3023Q variant (also known as c.9067G>C), located in coding exon 25 of the TNXB gene, results from a G to C substitution at nucleotide position 9067. The glutamic acid at codon 3023 is replaced by glutamine, an amino acid with highly similar properties. This amino acid position is conserved. In addition, this alteration is predicted to be tolerated by in silico analysis. Based on the available evidence, the clinical significance of this variant remains unclear.